The following is an entry in ClinVar:

ClinVar aggregate classification (germline): Likely benign (1 of 4 stars; one submission).

Conditions:
GLI2-related disorder. Also called: GLI2-related condition; GLI2-related disorders.

gnomAD v4.1: 4 of 1,614,126 alleles (0.00025%); highest among the groups gnomAD compares: East Asian, 0.0022%; no homozygotes.

Submission:

PreventionGenetics, part of Exact Sciences
Classification: Likely benign for GLI2-related condition. Last evaluated: 2025-11-13. Review status: criteria provided, single submitter. Criteria: ACMG Guidelines, 2015. Collection method: clinical testing. Allele origin: germline.
Comment: This variant is classified as likely benign based on ACMG/AMP sequence variant interpretation guidelines (Richards et al. 2015 PMID: 25741868, with internal and published modifications).

NM_001374353.1(GLI2):c.981G>A (p.Gln327=)

Gene: GLI2 (GLI family zinc finger 2; plus strand). Cytogenetic location: 2q14.2.
Variant type: single nucleotide variant.
Coding change: c.981G>A on transcript NM_001374353.1 (MANE Select); coding-DNA position 981, G replaced by A.
Protein change: p.Gln327=; no amino-acid change (glutamine 327 retained).
Molecular consequence: synonymous variant.
Genome position (GRCh38, 1-based): chr2:120,970,528, G>A. VCF-style: chr2-120970528-G-A. GRCh37 (hg19) VCF-style: chr2-121728104-G-A.
Other names: c.981G>A, p.Gln327= (NM_001371271.1, NM_005270.5); c.606G>A, p.Gln202= (NM_001374354.1).
Identifiers: ClinVar variation 4987728 (VCV004987728.1).